The following is an entry in ClinVar:

ClinVar aggregate classification (germline): Likely benign. Review status: criteria provided, multiple submitters, no conflicts (2 of 4 stars). 2 submissions from 2 submitters: Likely benign (2). Last evaluated 2018-01-13.

Conditions:
Desbuquois dysplasia 1 (DBQD1). Also called: MICROMELIC DWARFISM WITH VERTEBRAL AND METAPHYSEAL ABNORMALITIES AND ADVANCED CARPOTARSAL OSSIFICATION; DESBUQUOIS DYSPLASIA 1, KIM VARIANT. Identifiers: Orphanet 1425, MedGen C4012146, MONDO:0009629, OMIM 251450.

Allele frequency attached by ClinVar (database versions not stated): gnomAD exomes 0.00046; 1000 Genomes Project 0.00280; 1000 Genomes Project 30x 0.00344; gnomAD 0.00384 and 0.00410; TOPMed 0.00405.

Submissions (2):

Illumina Laboratory Services, Illumina
Classification: Likely benign for Desbuquois dysplasia 1. Last evaluated: 2018-01-13. Review status: criteria provided, single submitter. Criteria: ICSL Variant Classification Criteria 13 December 2019. Collection method: clinical testing. Allele origin: germline.
Comment: This variant was observed in the ICSL laboratory as part of a predisposition screen in an ostensibly healthy population. It had not been previously curated by ICSL or reported in the Human Gene Mutation Database (HGMD: prior to June 1st, 2018), and was therefore a candidate for classification through an automated scoring system. Utilizing variant allele frequency, disease prevalence and penetrance estimates, and inheritance mode, an automated score was calculated to assess if this variant is too frequent to cause the disease. Based on the score and internal cut-off values, a variant classified as likely benign is not then subjected to further curation. The score for this variant resulted in a classification of likely benign for this disease.

Breakthrough Genomics
Classification: Likely benign. Review status: criteria provided, single submitter. Criteria: ACMG Guidelines, 2015. Collection method: not provided. Allele origin: germline. Inheritance: Autosomal recessive inheritance. Affected: yes.

NM_001159773.2(CANT1):c.-96C>T

Gene: CANT1 (calcium activated nucleotidase 1; minus strand). Cytogenetic location: 17q25.3.
Variant type: single nucleotide variant.
Coding change: c.-96C>T on transcript NM_001159773.2 (MANE Select); 96 bases upstream of the start codon, C replaced by T.
Molecular consequence: 5 prime UTR variant.
Genome position (GRCh38, 1-based): chr17:78,997,913, G>A on the plus strand (C>T on the coding strand, the complement: CANT1 is on the minus strand). VCF-style: chr17-78997913-G-A. GRCh37 (hg19) VCF-style: chr17-76993995-G-A.
Other names: c.-96C>T (NM_001159772.2); c.-291C>T (NM_138793.4).
Identifiers: ClinVar variation 325714 (VCV000325714.6), dbSNP rs143084065, ClinGen allele CA10650347.